The following is an entry in ClinVar:

NM_001384900.1(SEMA3D):c.985T>C (p.Tyr329His)

Gene: SEMA3D (semaphorin 3D; minus strand). Cytogenetic location: 7q21.11.
Variant type: single nucleotide variant.
Coding change: c.985T>C on transcript NM_001384900.1 (MANE Select); coding-DNA position 985, T replaced by C.
Protein change: p.Tyr329His; replaces tyrosine 329 with histidine.
Molecular consequence: missense variant.
Genome position (GRCh38, 1-based): chr7:85,040,734, A>G on the plus strand (T>C on the coding strand, the complement: SEMA3D is on the minus strand). VCF-style: chr7-85040734-A-G. GRCh37 (hg19) VCF-style: chr7-84670050-A-G.
Other names: c.985T>C, p.Tyr329His (NM_001384901.1, NM_001384902.1, NM_001384903.1 and 1 more transcripts); short protein forms Y329H.
Identifiers: ClinVar variation 3345097 (VCV003345097.1).

ClinVar aggregate classification (germline): Uncertain significance (0 of 4 stars; one submission).

Conditions:
SEMA3D-related disorder. Also called: SEMA3D-related condition.

Submission:

PreventionGenetics, part of Exact Sciences
Classification: Uncertain significance for SEMA3D-related condition. Last evaluated: 2024-06-22. Review status: no assertion criteria provided. Collection method: clinical testing. Allele origin: germline.
Comment: The SEMA3D c.985T>C variant is predicted to result in the amino acid substitution p.Tyr329His. To our knowledge, this variant has not been reported in the literature or in a large population database, indicating this variant is rare. At this time, the clinical significance of this variant is uncertain due to the absence of conclusive functional and genetic evidence.